The following is an entry in ClinVar:

NM_006269.2(RP1):c.6278_6279delinsTC (p.Cys2093Phe)

Gene: RP1 (RP1 axonemal microtubule associated; plus strand). Cytogenetic location: 8q12.1.
Variant type: Indel.
Coding change: c.6278_6279delinsTC on transcript NM_006269.2 (MANE Select); coding-DNA positions 6278 to 6279, GT replaced by TC.
Protein change: p.Cys2093Phe; replaces cysteine 2093 with phenylalanine.
Molecular consequence: missense variant. On other transcripts: intron variant (1).
Genome position (GRCh38, 1-based): chr8:54,630,160-54,630,161, GT replaced by TC. VCF-style: chr8-54630160-GT-TC. GRCh37 (hg19) VCF-style: chr8-55542720-GT-TC.
Other names: c.787+7872_787+7873delinsTC (NM_001375654.1); short protein forms C2093F.
Identifiers: ClinVar variation 2016477 (VCV002016477.4), dbSNP rs2536593760, ClinGen allele CA2580078411.
Genomic context (GRCh38, chr8:54,630,160, plus strand): 5'-ATAACAGATTCCAGGGCTCAAGAACAAATCTCAACCAAGTAGTAAGAGAAAATATCAACT[GT>TC]CATTACTTCTTTGAAATGCTTGGTCAAGCTTGCCTCTTAGATATTTGCCAAGTTGAGACC-3'
Protein context (NP_006260.1, residues 2083-2103): LNQVVRENIN[Cys2093Phe]HYFFEMLGQA

ClinVar aggregate classification (germline): Uncertain significance (1 of 4 stars; one submission).

Submission:

Labcorp Genetics (formerly Invitae), Labcorp
Classification: Uncertain significance. Last evaluated: 2022-09-27. Review status: criteria provided, single submitter. Criteria: Invitae Variant Classification Sherloc (09022015). Collection method: clinical testing. Allele origin: germline.
Comment: Algorithms developed to predict the effect of missense changes on protein structure and function are either unavailable or do not agree on the potential impact of this missense change (SIFT: "Not Available"; PolyPhen-2: "Benign"; Align-GVGD: "Not Available"). This variant has not been reported in the literature in individuals affected with RP1-related conditions. In summary, the available evidence is currently insufficient to determine the role of this variant in disease. Therefore, it has been classified as a Variant of Uncertain Significance. This sequence change replaces cysteine, which is neutral and slightly polar, with phenylalanine, which is neutral and non-polar, at codon 2093 of the RP1 protein (p.Cys2093Phe). This variant is present in population databases (no rsID available, gnomAD 0.04%).